The following is an entry in ClinVar:

NM_001374385.1(ATP8B1):c.1402A>T (p.Lys468Ter)

Gene: ATP8B1 (ATPase phospholipid transporting 8B1; minus strand). Cytogenetic location: 18q21.31.
Variant type: single nucleotide variant.
Coding change: c.1402A>T on transcript NM_001374385.1 (MANE Select); coding-DNA position 1402, A replaced by T.
Protein change: p.Lys468Ter; replaces lysine 468 with a stop codon.
Molecular consequence: nonsense.
Genome position (GRCh38, 1-based): chr18:57,688,326, T>A on the plus strand (A>T on the coding strand, the complement: ATP8B1 is on the minus strand). VCF-style: chr18-57688326-T-A. GRCh37 (hg19) VCF-style: chr18-55355558-T-A.
Other names: c.1252A>T, p.Lys418Ter (NM_001374386.1); c.1402A>T, p.Lys468Ter (NM_005603.6); short protein forms K468*, K418*.
Identifiers: ClinVar variation 2836172 (VCV002836172.3), dbSNP rs2511745907, ClinGen allele CA402537320.

ClinVar aggregate classification (germline): Pathogenic (1 of 4 stars; one submission).

Submission:

Labcorp Genetics (formerly Invitae), Labcorp
Classification: Pathogenic. Last evaluated: 2023-03-13. Review status: criteria provided, single submitter. Criteria: Invitae Variant Classification Sherloc (09022015). Collection method: clinical testing. Allele origin: germline.
Comment: This variant has not been reported in the literature in individuals affected with ATP8B1-related conditions. This variant is not present in population databases (gnomAD no frequency). This sequence change creates a premature translational stop signal (p.Lys468*) in the ATP8B1 gene. It is expected to result in an absent or disrupted protein product. Loss-of-function variants in ATP8B1 are known to be pathogenic (PMID: 15239083, 22525741). For these reasons, this variant has been classified as Pathogenic.

Literature cited by the submitters: PubMed 15239083; PubMed 22525741.